The following is an entry in ClinVar:

NM_001382567.1(STIM1):c.1634+319G>A

Gene: STIM1 (stromal interaction molecule 1; plus strand). Cytogenetic location: 11p15.4.
Variant type: single nucleotide variant.
Coding change: c.1634+319G>A on transcript NM_001382567.1 (MANE Select); 319 bases into the intron after coding-DNA position 1634, G replaced by A.
Molecular consequence: intron variant. On other transcripts: splice donor variant (2).
Genome position (GRCh38, 1-based): chr11:4,086,862, G>A. VCF-style: chr11-4086862-G-A. GRCh37 (hg19) VCF-style: chr11-4108092-G-A.
Other names: p.?; c.1319+319G>A (NM_001382578.1, NM_001382575.1, NM_001382576.1 and 2 more transcripts); c.1052+319G>A (NM_001382580.1, NM_001382581.1); c.1637+1G>A (NM_001382566.1); c.1562+319G>A (NM_001382568.1); c.1541+319G>A (NM_001277962.2, NM_003156.4, NM_003156.3); c.1313+319G>A (NM_001382570.1); c.1406+319G>A (NM_001382569.1); and 2 more.
Identifiers: ClinVar variation 626025 (VCV000626025.47), dbSNP rs118128831, ClinGen allele CA5830567.

ClinVar aggregate classification (germline): Conflicting classifications of pathogenicity. Review status: criteria provided, conflicting classifications (1 of 4 stars). 7 submissions from 7 submitters: Uncertain significance (1); Benign (4); Likely benign (1). 1 of the submissions does not count toward it. Last evaluated 2026-09-01.

Conditions:
STIM1-related disorder. Also called: STIM1-related condition.
Stormorken syndrome (STRMK). Also called: THROMBOCYTOPATHY, ASPLENIA, AND MIOSIS. Identifiers: Orphanet 3204, MedGen C1861451, MONDO:0008497, OMIM 185070.
Myopathy, tubular aggregate, 1 (TAM1). Identifiers: MedGen C4011726, MONDO:0024531, OMIM 160565.
Combined immunodeficiency due to STIM1 deficiency. Also called: IMMUNODEFICIENCY 10; STIM1 DEFICIENCY. Identifiers: Orphanet 169090, Orphanet 317430, MedGen C2748557, MONDO:0013008, OMIM 612783.
Myopathy with tubular aggregates (TAM). Also called: Tubular Aggregate Myopathy. Identifiers: Orphanet 2593, MedGen C0410207, MONDO:0008051.

Allele frequency attached by ClinVar (database versions not stated): 1000 Genomes Project 0.00319; 1000 Genomes Project 30x 0.00344; ExAC 0.00763; gnomAD exomes 0.00770 and 0.01189; TOPMed 0.00792; gnomAD 0.00793 and 0.00808.
gnomAD v4.1: 17,509 of 1,529,748 alleles (1.1%); highest among the groups gnomAD compares: Non-Finnish European, 1.4%; 136 homozygotes.

Submissions (18):

CeGaT Center for Human Genetics Tuebingen
Classification: Benign. Last evaluated: 2026-09-01. Review status: criteria provided, single submitter. Criteria: CeGaT Center For Human Genetics Tuebingen Variant Classification Criteria Version 2. Collection method: clinical testing. Allele origin: germline. Affected: yes. Observed: 46 variant alleles.
Comment: STIM1: BS1, BS2

Labcorp Genetics (formerly Invitae), Labcorp
Classification: Benign for Myopathy with tubular aggregates; Combined immunodeficiency due to STIM1 deficiency; Stormorken syndrome. Last evaluated: 2026-01-26. Review status: criteria provided, single submitter. Criteria: Invitae Variant Classification Sherloc (09022015). Collection method: clinical testing. Allele origin: germline.

Blueprint Genetics
Classification: Likely benign. Last evaluated: 2024-11-25. Review status: criteria provided, single submitter. Criteria: ACMG Guidelines, 2015. Collection method: clinical testing. Allele origin: germline.

Mayo Clinic Laboratories, Mayo Clinic
Classification: Benign. Last evaluated: 2023-09-26. Review status: criteria provided, single submitter. Criteria: ACMG Guidelines, 2015. Collection method: clinical testing. Allele origin: germline. Observed: 46 variant alleles.
Comment: BS1, BS2

GeneDx
Classification: Benign. Last evaluated: 2020-07-16. Review status: criteria provided, single submitter. Criteria: GeneDx Variant Classification Process June 2021. Collection method: clinical testing. Allele origin: germline. Affected: yes.
Comment: This variant is associated with the following publications: (PMID: 26122175)

Center for Genomics, Ann and Robert H. Lurie Children's Hospital of Chicago
Classification: Uncertain significance for Myopathy, tubular aggregate, 1; Stormorken syndrome; Combined immunodeficiency due to STIM1 deficiency. Review status: criteria provided, single submitter. Criteria: ACMG Guidelines, 2015. Collection method: clinical testing. Allele origin: germline.
Comment: STIM1 NM_001277961 exon 11 c.1859+1G>A: This variant has been reported in the literature as heterozygous in at least 4 individuals with Common Variable Immunodeficiency Disorders (CVIDs) (van Schouwenberg 2015 PMID:26122175). However, this variant is present in 2% (63/3166) of European alleles, including 1 homozygote in the Exome Aggregation Database. Evolutionary conservation and computational predictive tools for this variant are limited or unavailable. Of note, this variant alters the consensus splice sequence (+/- 1,2) which is predicted to result in an absent or abnormal protein. However, there is insufficient evidence to determine loss of function (LOF) as an established disease mechanism for this gene. Further studies are needed to understand its impact. In summary, data on this variant is conflicting and insufficient for disease classification. Therefore, the clinical significance of this variant is uncertain

PreventionGenetics, part of Exact Sciences
Classification: Likely benign for STIM1-related condition. Last evaluated: 2019-12-03. Review status: no assertion criteria provided. Collection method: clinical testing. Allele origin: germline. Not counted in ClinVar's aggregate classification.
Comment: This variant is classified as likely benign based on ACMG/AMP sequence variant interpretation guidelines (Richards et al. 2015 PMID: 25741868, with internal and published modifications).

Dr. Peter K. Rogan Lab, Western University
No classification provided (evidence only). Condition: Acute myeloid leukemia. Review status: no classification provided. Collection method: in vitro. Allele origin: not applicable. Functional consequence: retained intron. Not counted in ClinVar's aggregate classification.

Dr. Peter K. Rogan Lab, Western University
No classification provided (evidence only). Condition: Acute myeloid leukemia. Review status: no classification provided. Collection method: in vitro. Allele origin: not applicable. Functional consequence: retained intron. Not counted in ClinVar's aggregate classification.

Dr. Peter K. Rogan Lab, Western University
No classification provided (evidence only). Condition: Acute myeloid leukemia. Review status: no classification provided. Collection method: in vitro. Allele origin: not applicable. Functional consequence: retained intron. Not counted in ClinVar's aggregate classification.

Dr. Peter K. Rogan Lab, Western University
No classification provided (evidence only). Condition: Cervical cancer. Review status: no classification provided. Collection method: in vitro. Allele origin: not applicable. Functional consequence: retained intron. Not counted in ClinVar's aggregate classification.

Dr. Peter K. Rogan Lab, Western University
No classification provided (evidence only). Condition: Cervical cancer. Review status: no classification provided. Collection method: in vitro. Allele origin: not applicable. Functional consequence: retained intron. Not counted in ClinVar's aggregate classification.

Dr. Peter K. Rogan Lab, Western University
No classification provided (evidence only). Condition: Sarcoma. Review status: no classification provided. Collection method: in vitro. Allele origin: not applicable. Functional consequence: retained intron. Not counted in ClinVar's aggregate classification.

Dr. Peter K. Rogan Lab, Western University
No classification provided (evidence only). Condition: Sarcoma. Review status: no classification provided. Collection method: in vitro. Allele origin: not applicable. Functional consequence: retained intron. Not counted in ClinVar's aggregate classification.

Dr. Peter K. Rogan Lab, Western University
No classification provided (evidence only). Condition: Sarcoma. Review status: no classification provided. Collection method: in vitro. Allele origin: not applicable. Functional consequence: retained intron. Not counted in ClinVar's aggregate classification.

Dr. Peter K. Rogan Lab, Western University
No classification provided (evidence only). Condition: Sarcoma. Review status: no classification provided. Collection method: in vitro. Allele origin: not applicable. Functional consequence: skipped exon. Not counted in ClinVar's aggregate classification.

Dr. Peter K. Rogan Lab, Western University
No classification provided (evidence only). Condition: Ovarian serous cystadenocarcinoma. Review status: no classification provided. Collection method: in vitro. Allele origin: not applicable. Functional consequence: retained intron. Not counted in ClinVar's aggregate classification.

Dr. Peter K. Rogan Lab, Western University
No classification provided (evidence only). Condition: Malignant tumor of esophagus. Review status: no classification provided. Collection method: in vitro. Allele origin: not applicable. Functional consequence: skipped exon. Not counted in ClinVar's aggregate classification.